The following is an entry in ClinVar:

ClinVar aggregate classification (germline): Uncertain significance (1 of 4 stars; one submission).

Submission:

CeGaT Center for Human Genetics Tuebingen
Classification: Uncertain significance. Last evaluated: 2022-09-01. Review status: criteria provided, single submitter. Criteria: CeGaT Center For Human Genetics Tuebingen Variant Classification Criteria Version 2. Collection method: clinical testing. Allele origin: germline. Affected: yes. Observed: 1 variant allele.
Comment: KMT2A: PM2

NM_001197104.2(KMT2A):c.9307C>G (p.Gln3103Glu)

Gene: KMT2A (lysine methyltransferase 2A; plus strand). Cytogenetic location: 11q23.3.
Variant type: single nucleotide variant.
Coding change: c.9307C>G on transcript NM_001197104.2 (MANE Select); coding-DNA position 9307, C replaced by G.
Protein change: p.Gln3103Glu; replaces glutamine 3103 with glutamic acid.
Molecular consequence: missense variant.
Genome position (GRCh38, 1-based): chr11:118,505,199, C>G. VCF-style: chr11-118505199-C-G. GRCh37 (hg19) VCF-style: chr11-118375914-C-G.
Other names: c.9397C>G, p.Gln3133Glu (NM_001412597.1); c.9298C>G, p.Gln3100Glu (NM_005933.4); short protein forms Q3100E, Q3103E, Q3133E.
Identifiers: ClinVar variation 2642431 (VCV002642431.24), dbSNP rs2134404353, ClinGen allele CA382819769.